The following is an entry in ClinVar:

ClinVar aggregate classification (germline): Uncertain significance (1 of 4 stars; one submission).

Submission:

Ambry Genetics
Classification: Uncertain significance. Last evaluated: 2023-04-16. Review status: criteria provided, single submitter. Criteria: Ambry Variant Classification Scheme 2023. Collection method: clinical testing. Allele origin: germline.
Comment: The p.P338R variant (also known as c.1013C>G), located in coding exon 10 of the BUB1 gene, results from a C to G substitution at nucleotide position 1013. The proline at codon 338 is replaced by arginine, an amino acid with dissimilar properties. This amino acid position is conserved. In addition, this alteration is predicted to be tolerated by in silico analysis. Since supporting evidence is limited at this time, the clinical significance of this alteration remains unclear.

NM_004336.5(BUB1):c.1013C>G (p.Pro338Arg)

Gene: BUB1 (BUB1 mitotic checkpoint serine/threonine kinase; minus strand). Cytogenetic location: 2q13.
Variant type: single nucleotide variant.
Coding change: c.1013C>G on transcript NM_004336.5 (MANE Select); coding-DNA position 1013, C replaced by G.
Protein change: p.Pro338Arg; replaces proline 338 with arginine.
Molecular consequence: missense variant.
Genome position (GRCh38, 1-based): chr2:110,661,786, G>C on the plus strand (C>G on the coding strand, the complement: BUB1 is on the minus strand). VCF-style: chr2-110661786-G-C. GRCh37 (hg19) VCF-style: chr2-111419363-G-C.
Other names: c.953C>G, p.Pro318Arg (NM_001278616.2); c.1013C>G, p.Pro338Arg (NM_001278617.2); short protein forms P338R, P318R.
Identifiers: ClinVar variation 2562176 (VCV002562176.2), dbSNP rs2468017652, ClinGen allele CA348214598.